The following is an entry in ClinVar:

ClinVar aggregate classification (germline): Uncertain significance. Review status: criteria provided, multiple submitters, no conflicts (2 of 4 stars). 2 submissions from 2 submitters: Uncertain significance (2). Last evaluated 2023-02-06.

Submissions (2):

Labcorp Genetics (formerly Invitae), Labcorp
Classification: Uncertain significance. Last evaluated: 2023-02-06. Review status: criteria provided, single submitter. Criteria: Invitae Variant Classification Sherloc (09022015). Collection method: clinical testing. Allele origin: germline.
Comment: This sequence change replaces proline, which is neutral and non-polar, with leucine, which is neutral and non-polar, at codon 1221 of the COL11A2 protein (p.Pro1221Leu). This variant is not present in population databases (gnomAD no frequency). This variant has not been reported in the literature in individuals affected with COL11A2-related conditions. ClinVar contains an entry for this variant (Variation ID: 634527). Advanced modeling of protein sequence and biophysical properties (such as structural, functional, and spatial information, amino acid conservation, physicochemical variation, residue mobility, and thermodynamic stability) performed at Invitae indicates that this missense variant is not expected to disrupt COL11A2 protein function. In summary, the available evidence is currently insufficient to determine the role of this variant in disease. Therefore, it has been classified as a Variant of Uncertain Significance.

Genomic Research Center, Shahid Beheshti University of Medical Sciences
Classification: Uncertain significance. Last evaluated: 2019-01-01. Review status: criteria provided, single submitter. Criteria: ACMG Guidelines, 2015. Collection method: clinical testing. Allele origin: unknown. Affected: no. Observed: 1 variant allele.

NM_080680.3(COL11A2):c.3662C>T (p.Pro1221Leu)

Gene: COL11A2 (collagen type XI alpha 2 chain; minus strand). Cytogenetic location: 6p21.32.
Variant type: single nucleotide variant.
Coding change: c.3662C>T on transcript NM_080680.3 (MANE Select); coding-DNA position 3662, C replaced by T.
Protein change: p.Pro1221Leu; replaces proline 1221 with leucine.
Molecular consequence: missense variant.
Genome position (GRCh38, 1-based): chr6:33,169,859, G>A on the plus strand (C>T on the coding strand, the complement: COL11A2 is on the minus strand). VCF-style: chr6-33169859-G-A. GRCh37 (hg19) VCF-style: chr6-33137636-G-A.
Other names: c.3341C>T, p.Pro1114Leu (NM_080679.3); c.3404C>T, p.Pro1135Leu (NM_080681.3); short protein forms P1221L, P1135L, P1114L.
Identifiers: ClinVar variation 634527 (VCV000634527.7), dbSNP rs1562323483, ClinGen allele CA363628469.